The following is an entry in ClinVar:

NM_017825.3(ADPRS):c.483C>A (p.Ser161=)

Gene: ADPRS (ADP-ribosylserine hydrolase; plus strand). Cytogenetic location: 1p34.3.
Variant type: single nucleotide variant.
Coding change: c.483C>A on transcript NM_017825.3 (MANE Select); coding-DNA position 483, C replaced by A.
Protein change: p.Ser161=; no amino-acid change (serine 161 retained).
Molecular consequence: synonymous variant.
Genome position (GRCh38, 1-based): chr1:36,091,792, C>A. VCF-style: chr1-36091792-C-A. GRCh37 (hg19) VCF-style: chr1-36557393-C-A.
Identifiers: ClinVar variation 3058436 (VCV003058436.3), dbSNP rs11538708, ClinGen allele CA764580.

ClinVar aggregate classification (germline): Likely benign. Review status: criteria provided, single submitter (1 of 4 stars). 2 submissions from 2 submitters: Likely benign (1). 1 of the submissions does not count toward it. Last evaluated 2024-10-18.

Conditions:
ADPRS-related disorder. Also called: ADPRS-related condition.

Allele frequency attached by ClinVar (database versions not stated): 1000 Genomes Project 30x 0.00031; ExAC 0.00032; gnomAD 0.00036; 1000 Genomes Project 0.00040; TOPMed 0.00040; ESP Exome Variant Server 0.00069; gnomAD exomes 0.00078.
gnomAD v4.1: 1,177 of 1,610,650 alleles (0.073%); highest among the groups gnomAD compares: Non-Finnish European, 0.095%; no homozygotes.

Submissions (2):

Blueprint Genetics
Classification: Likely benign. Last evaluated: 2024-10-18. Review status: criteria provided, single submitter. Criteria: ACMG Guidelines, 2015. Collection method: clinical testing. Allele origin: germline.

PreventionGenetics, part of Exact Sciences
Classification: Likely benign for ADPRS-related condition. Last evaluated: 2019-03-28. Review status: no assertion criteria provided. Collection method: clinical testing. Allele origin: germline. Not counted in ClinVar's aggregate classification.
Comment: This variant is classified as likely benign based on ACMG/AMP sequence variant interpretation guidelines (Richards et al. 2015 PMID: 25741868, with internal and published modifications).